The following is an entry in ClinVar:

NM_018489.3(ASH1L):c.3737A>G (p.Glu1246Gly)

Gene: ASH1L (ASH1 like histone lysine methyltransferase; minus strand). Cytogenetic location: 1q22.
Variant type: single nucleotide variant.
Coding change: c.3737A>G on transcript NM_018489.3 (MANE Select); coding-DNA position 3737, A replaced by G.
Protein change: p.Glu1246Gly; replaces glutamic acid 1246 with glycine.
Molecular consequence: missense variant.
Genome position (GRCh38, 1-based): chr1:155,479,133, T>C on the plus strand (A>G on the coding strand, the complement: ASH1L is on the minus strand). VCF-style: chr1-155479133-T-C. GRCh37 (hg19) VCF-style: chr1-155448924-T-C.
Other names: c.3737A>G, p.Glu1246Gly (NM_001366177.2); short protein forms E1246G.
Identifiers: ClinVar variation 1708684 (VCV001708684.2), dbSNP rs1665775167, ClinGen allele CA342708702.

ClinVar aggregate classification (germline): Uncertain significance (1 of 4 stars; one submission).

Allele frequency attached by ClinVar (database versions not stated): gnomAD exomes below 0.00001; gnomAD 0.00001.
gnomAD v4.1: 2 of 1,614,022 alleles (0.00012%); highest among the groups gnomAD compares: Non-Finnish European, 0.00017%; no homozygotes.

Submission:

GeneDx
Classification: Uncertain significance. Last evaluated: 2022-04-08. Review status: criteria provided, single submitter. Criteria: GeneDx Variant Classification Process June 2021. Collection method: clinical testing. Allele origin: germline. Affected: yes.
Comment: Not observed at significant frequency in large population cohorts (gnomAD); In silico analysis supports that this missense variant does not alter protein structure/function; Has not been previously published as pathogenic or benign to our knowledge